The following is an entry in ClinVar:

ClinVar aggregate classification (germline): Uncertain significance. Review status: criteria provided, multiple submitters, no conflicts (2 of 4 stars). 5 submissions from 5 submitters: Uncertain significance (5). Last evaluated 2026-06-29.

Conditions:
ALPK3-related disorder. Also called: ALPK3-related condition.
Cardiovascular phenotype. Identifiers: MedGen CN230736.

Allele frequency attached by ClinVar (database versions not stated): gnomAD exomes 0.00002; ExAC 0.00003; gnomAD 0.00008 and 0.00009; TOPMed 0.00009; ESP Exome Variant Server 0.00015.
gnomAD v4.1: 39 of 1,613,968 alleles (0.0024%); highest among the groups gnomAD compares: African/African-American, 0.016%; 1 homozygote.

Submissions (5):

PreventionGenetics, part of Exact Sciences
Classification: Uncertain significance for ALPK3-related condition. Last evaluated: 2026-06-29. Review status: criteria provided, single submitter. Criteria: ACMG Guidelines, 2015. Collection method: clinical testing. Allele origin: germline.
Comment: The ALPK3 c.5609G>A variant is predicted to result in the amino acid substitution p.Arg1870Gln. To our knowledge, this variant has not been reported in the literature. This variant is reported in 0.024% of alleles in individuals of African descent in gnomAD. At this time, the clinical significance of this variant is uncertain due to the absence of conclusive functional and genetic evidence.

Labcorp Genetics (formerly Invitae), Labcorp
Classification: Uncertain significance. Last evaluated: 2026-01-16. Review status: criteria provided, single submitter. Criteria: Invitae Variant Classification Sherloc (09022015). Collection method: clinical testing. Allele origin: germline.
Comment: This sequence change replaces arginine, which is basic and polar, with glutamine, which is neutral and polar, at codon 1870 of the ALPK3 protein (p.Arg1870Gln). This variant is present in population databases (rs370296349, gnomAD 0.03%), including at least one homozygous and/or hemizygous individual. This variant has not been reported in the literature in individuals affected with ALPK3-related conditions. ClinVar contains an entry for this variant (Variation ID: 1359863). Invitae Evidence Modeling of protein sequence and biophysical properties (such as structural, functional, and spatial information, amino acid conservation, physicochemical variation, residue mobility, and thermodynamic stability) indicates that this missense variant is expected to disrupt ALPK3 protein function with a positive predictive value of 80%. In summary, the available evidence is currently insufficient to determine the role of this variant in disease. Therefore, it has been classified as a Variant of Uncertain Significance.

Ambry Genetics
Classification: Uncertain significance for Cardiovascular phenotype. Last evaluated: 2025-08-19. Review status: criteria provided, single submitter. Criteria: Ambry Variant Classification Scheme 2023. Collection method: clinical testing. Allele origin: germline.
Comment: The p.R1870Q variant (also known as c.5609G>A), located in coding exon 14 of the ALPK3 gene, results from a G to A substitution at nucleotide position 5609. The arginine at codon 1870 is replaced by glutamine, an amino acid with highly similar properties. This amino acid position is highly conserved in available vertebrate species. In addition, this alteration is predicted to be tolerated by in silico analysis. Since supporting evidence is limited at this time, the clinical significance of this alteration remains unclear.

Mayo Clinic Laboratories, Mayo Clinic
Classification: Uncertain significance. Last evaluated: 2025-04-01. Review status: criteria provided, single submitter. Criteria: ACMG Guidelines, 2015. Collection method: clinical testing. Allele origin: germline. Observed: 1 variant allele.
Comment: BS2_supporting

GeneDx
Classification: Uncertain significance. Last evaluated: 2024-12-10. Review status: criteria provided, single submitter. Criteria: GeneDx Variant Classification Process June 2021. Collection method: clinical testing. Allele origin: germline.
Comment: In silico analysis supports that this missense variant has a deleterious effect on protein structure/function; Has not been previously published as pathogenic or benign to our knowledge

NM_020778.5(ALPK3):c.5003G>A (p.Arg1668Gln)

Gene: ALPK3 (alpha kinase 3; plus strand). Cytogenetic location: 15q25.3.
Variant type: single nucleotide variant.
Coding change: c.5003G>A on transcript NM_020778.5 (MANE Select); coding-DNA position 5003, G replaced by A.
Protein change: p.Arg1668Gln; replaces arginine 1668 with glutamine.
Molecular consequence: missense variant.
Genome position (GRCh38, 1-based): chr15:84,868,341, G>A. VCF-style: chr15-84868341-G-A. GRCh37 (hg19) VCF-style: chr15-85411572-G-A.
Other names: p.Arg1870Gln; short protein forms R1668Q.
Identifiers: ClinVar variation 1359863 (VCV001359863.12), dbSNP rs370296349, ClinGen allele CA7710137.